The following is an entry in ClinVar:

NM_001005361.3(DNM2):c.1782-5del

Gene: DNM2 (dynamin 2; plus strand). Cytogenetic location: 19p13.2.
Variant type: Deletion.
Coding change: c.1782-5del on transcript NM_001005361.3 (MANE Select); 5 bases into the intron before coding-DNA position 1782, one base deleted (C; older notation c.1782-5delC).
Molecular consequence: intron variant.
Genome position (GRCh38, 1-based): chr19:10,823,783, C deleted; the last of 7 consecutive C bases (chr19:10,823,777-10,823,783); deleting any one gives the same sequence. VCF-style (leftmost placement, unchanged base first): chr19-10823776-AC-A. GRCh37 (hg19) VCF-style: chr19-10934452-AC-A.
Other names: c.1782-5delC (NM_001005360.2); c.1782-5del (NM_001005360.3, NM_001190716.2); c.1770-5del (NM_004945.4, NM_001005362.3).
Identifiers: ClinVar variation 419917 (VCV000419917.9), dbSNP rs760441017, ClinGen allele CA9201402.

ClinVar aggregate classification (germline): Benign/Likely benign. Review status: criteria provided, multiple submitters, no conflicts (2 of 4 stars). 3 submissions from 3 submitters: Benign (1); Likely benign (2). Last evaluated 2026-01-18.

Conditions:
Charcot-Marie-Tooth disease dominant intermediate B (CMTDIB). Also called: Charcot-Marie-Tooth disease dominant intermediate 1; CMT DI1; Charcot-Marie-Tooth disease dominant intermediate I; CHARCOT-MARIE-TOOTH NEUROPATHY, DOMINANT INTERMEDIATE B. Identifiers: Orphanet 100044, Orphanet 228179, MedGen C1847902, MONDO:0011674, OMIM 606482.

Submissions (3):

Labcorp Genetics (formerly Invitae), Labcorp
Classification: Benign for Charcot-Marie-Tooth disease dominant intermediate B. Last evaluated: 2026-01-18. Review status: criteria provided, single submitter. Criteria: Invitae Variant Classification Sherloc (09022015). Collection method: clinical testing. Allele origin: germline.

Blueprint Genetics
Classification: Likely benign. Last evaluated: 2021-05-06. Review status: criteria provided, single submitter. Criteria: ACMG Guidelines, 2015. Collection method: clinical testing. Allele origin: germline.

GeneDx
Classification: Likely benign. Last evaluated: 2016-07-22. Review status: criteria provided, single submitter. Criteria: GeneDx Variant Classification (06012015). Collection method: clinical testing. Allele origin: germline. Affected: yes.
Comment: This variant is considered likely benign or benign based on one or more of the following criteria: it is a conservative change, it occurs at a poorly conserved position in the protein, it is predicted to be benign by multiple in silico algorithms, and/or has population frequency not consistent with disease.